The following is an entry in ClinVar:

NM_025265.4(TSEN2):c.681T>C (p.Ala227=)

Gene: TSEN2 (tRNA splicing endonuclease subunit 2; plus strand). Cytogenetic location: 3p25.2.
Variant type: single nucleotide variant.
Coding change: c.681T>C on transcript NM_025265.4 (MANE Select); coding-DNA position 681, T replaced by C.
Protein change: p.Ala227=; no amino-acid change (alanine 227 retained).
Molecular consequence: synonymous variant. On other transcripts: non-coding transcript variant (1), intron variant (1).
Genome position (GRCh38, 1-based): chr3:12,503,634, T>C. VCF-style: chr3-12503634-T-C. GRCh37 (hg19) VCF-style: chr3-12545133-T-C.
Other names: c.681T>C, p.Ala227= (NM_001145392.2, NM_001145393.3, NM_001321277.2 and 2 more transcripts); c.517-13T>C (NM_001145394.2).
Identifiers: ClinVar variation 3389253 (VCV003389253.14).
Genomic context (GRCh38, chr3:12,503,634, plus strand): 5'-GAAAAGCGTGCGAGAGGATGCCTCACCTCTGCCCCATGTCTGTTGCTGCAAACAAGATGC[T>C]CTCATCCTCCAGCGTGGCCTTCATCATGAAGACGGCAGCCAGCACATCGGCCTCCTGCAT-3'
Protein context (NP_079541.1, residues 217-237): LPHVCCCKQD[Ala227=]LILQRGLHHE

ClinVar aggregate classification (germline): Likely benign (1 of 4 stars; one submission).

Submission:

CeGaT Center for Human Genetics Tuebingen
Classification: Likely benign. Last evaluated: 2024-09-01. Review status: criteria provided, single submitter. Criteria: CeGaT Center For Human Genetics Tuebingen Variant Classification Criteria Version 2. Collection method: clinical testing. Allele origin: germline. Affected: yes. Observed: 1 variant allele.
Comment: TSEN2: PM2:Supporting, BP4, BP7